The following is an entry in ClinVar:

ClinVar aggregate classification (germline): Uncertain significance (1 of 4 stars; one submission).

Submission:

CeGaT Center for Human Genetics Tuebingen
Classification: Uncertain significance. Last evaluated: 2025-09-01. Review status: criteria provided, single submitter. Criteria: CeGaT Center For Human Genetics Tuebingen Variant Classification Criteria Version 2. Collection method: clinical testing. Allele origin: germline. Affected: yes. Observed: 1 variant allele.
Comment: CLCN4: PM2, PP3

NM_001830.4(CLCN4):c.1508G>T (p.Trp503Leu)

Gene: CLCN4 (Cl-/H+ antiporter 4; plus strand). Cytogenetic location: Xp22.2.
Variant type: single nucleotide variant.
Coding change: c.1508G>T on transcript NM_001830.4 (MANE Select); coding-DNA position 1508, G replaced by T.
Protein change: p.Trp503Leu; replaces tryptophan 503 with leucine.
Molecular consequence: missense variant.
Genome position (GRCh38, 1-based): chrX:10,212,585, G>T. VCF-style: chrX-10212585-G-T. GRCh37 (hg19) VCF-style: chrX-10180625-G-T.
Other names: c.1226G>T, p.Trp409Leu (NM_001256944.2); short protein forms W409L, W503L.
Identifiers: ClinVar variation 4281419 (VCV004281419.7).